The following is an entry in ClinVar:

ClinVar aggregate classification (germline): Uncertain significance (1 of 4 stars; one submission).

Conditions:
EAST syndrome (SESAMES). Also called: SEIZURES, SENSORINEURAL DEAFNESS, ATAXIA, IMPAIRED INTELLECTUAL DEVELOPMENT, AND ELECTROLYTE IMBALANCE. Identifiers: Orphanet 199343, MedGen C2748572, MONDO:0013005, OMIM 612780.

Submission:

Labcorp Genetics (formerly Invitae), Labcorp
Classification: Uncertain significance for EAST syndrome. Last evaluated: 2024-06-07. Review status: criteria provided, single submitter. Criteria: Invitae Variant Classification Sherloc (09022015). Collection method: clinical testing. Allele origin: germline.
Comment: This sequence change replaces valine, which is neutral and non-polar, with isoleucine, which is neutral and non-polar, at codon 200 of the KCNJ10 protein (p.Val200Ile). This variant is not present in population databases (gnomAD no frequency). This variant has not been reported in the literature in individuals affected with KCNJ10-related conditions. Advanced modeling of protein sequence and biophysical properties (such as structural, functional, and spatial information, amino acid conservation, physicochemical variation, residue mobility, and thermodynamic stability) performed at Invitae indicates that this missense variant is not expected to disrupt KCNJ10 protein function with a negative predictive value of 80%. In summary, the available evidence is currently insufficient to determine the role of this variant in disease. Therefore, it has been classified as a Variant of Uncertain Significance.

NM_002241.5(KCNJ10):c.598G>A (p.Val200Ile)

Gene: KCNJ10 (potassium inwardly rectifying channel subfamily J member 10; minus strand). Cytogenetic location: 1q23.2.
Variant type: single nucleotide variant.
Coding change: c.598G>A on transcript NM_002241.5 (MANE Select); coding-DNA position 598, G replaced by A.
Protein change: p.Val200Ile; replaces valine 200 with isoleucine.
Molecular consequence: missense variant.
Genome position (GRCh38, 1-based): chr1:160,041,935, C>T on the plus strand (G>A on the coding strand, the complement: KCNJ10 is on the minus strand). VCF-style: chr1-160041935-C-T. GRCh37 (hg19) VCF-style: chr1-160011725-C-T.
Other names: short protein forms V200I.
Identifiers: ClinVar variation 3655839 (VCV003655839.2).
Genomic context (GRCh38, chr1:160,041,935, plus strand): 5'-TCTGAAGCAGTTTTCCTGTCACCTGGCAGCCAATGAGGAGGCTTTTGCGCATATTGGCAA[C>T]TCGGATCATGAGGCAGGGCTTGCCATTGTGGGAGGCCACAACTGCATGCTGGCTGAAACG-3'
Protein context (NP_002232.2, residues 190-210): HNGKPCLMIR[Val200Ile]ANMRKSLLIG